The following is an entry in ClinVar:

NM_004836.7(EIF2AK3):c.1481C>T (p.Thr494Ile)

Gene: EIF2AK3 (eukaryotic translation initiation factor 2 alpha kinase 3; minus strand). Cytogenetic location: 2p11.2.
Variant type: single nucleotide variant.
Coding change: c.1481C>T on transcript NM_004836.7 (MANE Select); coding-DNA position 1481, C replaced by T.
Protein change: p.Thr494Ile; replaces threonine 494 with isoleucine.
Molecular consequence: missense variant.
Genome position (GRCh38, 1-based): chr2:88,586,010, G>A on the plus strand (C>T on the coding strand, the complement: EIF2AK3 is on the minus strand). VCF-style: chr2-88586010-G-A. GRCh37 (hg19) VCF-style: chr2-88885528-G-A.
Other names: c.1028C>T, p.Thr343Ile (NM_001313915.2); short protein forms T494I, T343I.
Identifiers: ClinVar variation 1496613 (VCV001496613.5), dbSNP rs965316271, ClinGen allele CA51493737.

ClinVar aggregate classification (germline): Uncertain significance. Review status: criteria provided, multiple submitters, no conflicts (2 of 4 stars). 2 submissions from 2 submitters: Uncertain significance (2). Last evaluated 2025-10-21.

Conditions:
Wolcott-Rallison dysplasia. Also called: Wolcott-Rallison syndrome; MED-IDDM SYNDROME. Identifiers: Orphanet 1667, MedGen C0432217, MONDO:0009192, OMIM 226980.

Allele frequency attached by ClinVar (database versions not stated): gnomAD exomes below 0.00001 and 0.00002; gnomAD 0.00001; TOPMed 0.00001.

Submissions (2):

Labcorp Genetics (formerly Invitae), Labcorp
Classification: Uncertain significance. Last evaluated: 2025-10-21. Review status: criteria provided, single submitter. Criteria: Invitae Variant Classification Sherloc (09022015). Collection method: clinical testing. Allele origin: germline.
Comment: This sequence change replaces threonine, which is neutral and polar, with isoleucine, which is neutral and non-polar, at codon 494 of the EIF2AK3 protein (p.Thr494Ile). This variant is not present in population databases (gnomAD no frequency). This variant has not been reported in the literature in individuals affected with EIF2AK3-related conditions. ClinVar contains an entry for this variant (Variation ID: 1496613). An algorithm developed to predict the effect of missense changes on protein structure and function (PolyPhen-2) suggests that this variant is likely to be disruptive. In summary, the available evidence is currently insufficient to determine the role of this variant in disease. Therefore, it has been classified as a Variant of Uncertain Significance.

Fulgent Genetics
Classification: Uncertain significance for Wolcott-Rallison dysplasia. Last evaluated: 2022-05-14. Review status: criteria provided, single submitter. Criteria: ACMG Guidelines, 2015. Collection method: clinical testing. Allele origin: unknown.